The following is an entry in ClinVar:

NM_032119.4(ADGRV1):c.13391del (p.Asn4464fs)

Gene: ADGRV1 (adhesion G protein-coupled receptor V1; plus strand). Cytogenetic location: 5q14.3.
Variant type: Deletion.
Coding change: c.13391del on transcript NM_032119.4 (MANE Select); coding-DNA position 13391, one base deleted (A; older notation c.13391delA).
Protein change: p.Asn4464fs; shifts the reading frame from asparagine 4464.
Molecular consequence: frameshift variant. On other transcripts: non-coding transcript variant (1).
Genome position (GRCh38, 1-based): chr5:90,783,283, A deleted; the last of 4 consecutive A bases (chr5:90,783,280-90,783,283); deleting any one gives the same sequence. VCF-style (leftmost placement, unchanged base first): chr5-90783279-CA-C. GRCh37 (hg19) VCF-style: chr5-90079096-CA-C.
Other names: short protein forms N4464fs.
Identifiers: ClinVar variation 1074372 (VCV001074372.9), dbSNP rs2150102886, ClinGen allele CA2499217999.

ClinVar aggregate classification (germline): Pathogenic (1 of 4 stars; one submission).

Submission:

Labcorp Genetics (formerly Invitae), Labcorp
Classification: Pathogenic. Last evaluated: 2020-04-20. Review status: criteria provided, single submitter. Criteria: Invitae Variant Classification Sherloc (09022015). Collection method: clinical testing. Allele origin: germline.
Comment: This sequence change creates a premature translational stop signal (p.Asn4464Thrfs*2) in the ADGRV1 gene. It is expected to result in an absent or disrupted protein product. This variant is not present in population databases (ExAC no frequency). This variant has been observed in individual(s) with retinitis pigmentosa (Invitae). Loss-of-function variants in ADGRV1 are known to be pathogenic (PMID: 19357117, 22135276, 22147658). For these reasons, this variant has been classified as Pathogenic.

Literature cited by the submitters: PubMed 19357117; PubMed 22135276; PubMed 22147658.